The following is an entry in ClinVar:

NM_005633.4(SOS1):c.3508A>C (p.Lys1170Gln)

Gene: SOS1 (SOS Ras/Rac guanine nucleotide exchange factor 1; minus strand). Cytogenetic location: 2p22.1.
Variant type: single nucleotide variant.
Coding change: c.3508A>C on transcript NM_005633.4 (MANE Select); coding-DNA position 3508, A replaced by C.
Protein change: p.Lys1170Gln; replaces lysine 1170 with glutamine.
Molecular consequence: missense variant.
Genome position (GRCh38, 1-based): chr2:38,987,475, T>G on the plus strand (A>C on the coding strand, the complement: SOS1 is on the minus strand). VCF-style: chr2-38987475-T-G. GRCh37 (hg19) VCF-style: chr2-39214616-T-G.
Other names: c.3487A>C, p.Lys1163Gln (NM_001382394.1); c.3463A>C, p.Lys1155Gln (NM_001382395.1); short protein forms K1155Q, K1163Q, K1170Q.
Identifiers: ClinVar variation 1309566 (VCV001309566.2), dbSNP rs1668590878, ClinGen allele CA346359382.

ClinVar aggregate classification (germline): Uncertain significance (1 of 4 stars; one submission).

Allele frequency attached by ClinVar (database versions not stated): TOPMed below 0.00001.

Submission:

GeneDx
Classification: Uncertain significance. Last evaluated: 2019-10-24. Review status: criteria provided, single submitter. Criteria: GeneDx Variant Classification Process June 2021. Collection method: clinical testing. Allele origin: germline. Affected: yes.
Comment: Not observed in large population cohorts (Lek et al., 2016); The majority of missense variants in this gene are considered pathogenic (Stenson et al., 2014); In silico analysis, which includes protein predictors and evolutionary conservation, supports that this variant does not alter protein structure/function; Has not been previously published as pathogenic or benign to our knowledge